The following is an entry in ClinVar:

NM_000212.3(ITGB3):c.777+7T>C

Genes: ITGB3 (integrin subunit beta 3; plus strand), LOC130061044 (ATAC-STARR-seq lymphoblastoid active region 12308; plus strand). Cytogenetic location: 17q21.32.
Variant type: single nucleotide variant.
Coding change: c.777+7T>C on transcript NM_000212.3 (MANE Select); 7 bases into the intron after coding-DNA position 777, T replaced by C.
Molecular consequence: intron variant.
Genome position (GRCh38, 1-based): chr17:47,286,429, T>C. VCF-style: chr17-47286429-T-C. GRCh37 (hg19) VCF-style: chr17-45363795-T-C.
Identifiers: ClinVar variation 3645548 (VCV003645548.2).

ClinVar aggregate classification (germline): Uncertain significance (1 of 4 stars; one submission).

Submission:

Labcorp Genetics (formerly Invitae), Labcorp
Classification: Uncertain significance. Last evaluated: 2024-03-12. Review status: criteria provided, single submitter. Criteria: Invitae Variant Classification Sherloc (09022015). Collection method: clinical testing. Allele origin: germline.
Comment: This sequence change falls in intron 5 of the ITGB3 gene. It does not directly change the encoded amino acid sequence of the ITGB3 protein. This variant is not present in population databases (gnomAD no frequency). This variant has not been reported in the literature in individuals affected with ITGB3-related conditions. Algorithms developed to predict the effect of sequence changes on RNA splicing suggest that this variant may create or strengthen a splice site. In summary, the available evidence is currently insufficient to determine the role of this variant in disease. Therefore, it has been classified as a Variant of Uncertain Significance.